The following is an entry in ClinVar:

ClinVar aggregate classification (germline): Likely pathogenic (1 of 4 stars; one submission).

Conditions:
Pitt-Hopkins syndrome (PTHS). Also called: MENTAL RETARDATION, SYNDROMAL, WITH INTERMITTENT HYPERVENTILATION; ENCEPHALOPATHY, SEVERE EPILEPTIC, WITH AUTONOMIC DYSFUNCTION. Identifiers: Orphanet 2896, MedGen C1970431, MONDO:0012589, OMIM 610954.

Submission:

University of Washington Department of Laboratory Medicine, University of Washington
Classification: Likely pathogenic for Pitt-Hopkins syndrome. Last evaluated: 2023-04-20. Review status: criteria provided, single submitter. Criteria: ACMG Guidelines, 2015. Collection method: clinical testing. Allele origin: unknown. Affected: yes.
Comment: The c.1296+1G>C variant in the TCF4 gene has not been previously reported in association with disease. This variant was absent from large population databases, including the Genome Aggregation Database. The c.1296+1G>C variant alters the canonical donor splice site in intron 5, which is predicted to result in abnormal gene splicing. These predictions have not been tested directly. Heterozygous loss of function leading to haploinsufficiency of the TCF4 gene is an established mechanism of disease. Using ACMG guidelines, this variant was classified as likely pathogenic for autosomal dominant Pitt-Hopkins syndrome (ACMG evidence codes used: PVS1, PM2_supporting).

NM_001083962.2(TCF4):c.990+1G>C

Gene: TCF4 (transcription factor 4; minus strand). Cytogenetic location: 18q21.2.
Variant type: single nucleotide variant.
Coding change: c.990+1G>C on transcript NM_001083962.2 (MANE Select); the canonical splice donor site of the intron after coding-DNA position 990, G replaced by C.
Molecular consequence: splice donor variant.
Genome position (GRCh38, 1-based): chr18:55,261,465, C>G on the plus strand (G>C on the coding strand, the complement: TCF4 is on the minus strand). VCF-style: chr18-55261465-C-G. GRCh37 (hg19) VCF-style: chr18-52928696-C-G.
Other names: c.1296+1G>C (NM_001243226.3, NM_001243226.2); c.915+1G>C (NM_001369584.1, NM_001369576.1, NM_001369585.1 and 3 more transcripts); c.918+1G>C (NM_001369577.1, NM_001369582.1, NM_001243227.2 and 9 more transcripts); c.990+1G>C (NM_001369571.1, NM_001369567.1, NM_001369572.1 and 4 more transcripts); c.1008+1G>C (NM_001243228.2); c.984+1G>C (NM_001243230.2); c.987+1G>C (NM_001369569.1, NM_001369573.1, NM_001369570.1); c.864+1G>C (NM_001243231.2, NM_001348211.2); and 4 more.
Identifiers: ClinVar variation 3777074 (VCV003777074.1).